The following is an entry in ClinVar:

NM_004260.4(RECQL4):c.688C>T (p.Pro230Ser)

Gene: RECQL4 (RecQ like helicase 4; minus strand). Cytogenetic location: 8q24.3.
Variant type: single nucleotide variant.
Coding change: c.688C>T on transcript NM_004260.4 (MANE Select); coding-DNA position 688, C replaced by T.
Protein change: p.Pro230Ser; replaces proline 230 with serine.
Molecular consequence: missense variant.
Genome position (GRCh38, 1-based): chr8:144,516,431, G>A on the plus strand (C>T on the coding strand, the complement: RECQL4 is on the minus strand). VCF-style: chr8-144516431-G-A. GRCh37 (hg19) VCF-style: chr8-145741815-G-A.
Other names: short protein forms P230S.
Identifiers: ClinVar variation 528987 (VCV000528987.11), dbSNP rs745571670, ClinGen allele CA4949205.

ClinVar aggregate classification (germline): Uncertain significance. Review status: criteria provided, multiple submitters, no conflicts (2 of 4 stars). 3 submissions from 3 submitters: Uncertain significance (3). Last evaluated 2026-01-09.

Conditions:
Baller-Gerold syndrome (BGS). Also called: CRANIOSYNOSTOSIS WITH RADIAL DEFECTS. Identifiers: Orphanet 1225, MedGen C0265308, MONDO:0009039, OMIM 218600.
Rothmund-Thomson syndrome type 2 (RTS2). Identifiers: Orphanet 221016, MedGen C5203410, MONDO:0016369, OMIM 268400.
Inborn genetic diseases. Identifiers: MedGen C0950123, MeSH D030342.

Allele frequency attached by ClinVar (database versions not stated): gnomAD 0.00001; gnomAD exomes 0.00001; TOPMed 0.00002; ExAC 0.00005.

Submissions (3):

Labcorp Genetics (formerly Invitae), Labcorp
Classification: Uncertain significance for Baller-Gerold syndrome. Last evaluated: 2026-01-09. Review status: criteria provided, single submitter. Criteria: Invitae Variant Classification Sherloc (09022015). Collection method: clinical testing. Allele origin: germline.
Comment: This sequence change replaces proline, which is neutral and non-polar, with serine, which is neutral and polar, at codon 230 of the RECQL4 protein (p.Pro230Ser). This variant is present in population databases (rs745571670, gnomAD 0.04%). This variant has not been reported in the literature in individuals affected with RECQL4-related conditions. ClinVar contains an entry for this variant (Variation ID: 528987). An algorithm developed to predict the effect of missense changes on protein structure and function outputs the following: PolyPhen-2: "Not Available". The serine amino acid residue is found in multiple mammalian species, which suggests that this missense change does not adversely affect protein function. In summary, the available evidence is currently insufficient to determine the role of this variant in disease. Therefore, it has been classified as a Variant of Uncertain Significance.

Ambry Genetics
Classification: Uncertain significance for Inborn genetic diseases. Last evaluated: 2024-11-28. Review status: criteria provided, single submitter. Criteria: Ambry Variant Classification Scheme 2023. Collection method: clinical testing. Allele origin: germline.
Comment: The p.P230S variant (also known as c.688C>T), located in coding exon 5 of the RECQL4 gene, results from a C to T substitution at nucleotide position 688. The proline at codon 230 is replaced by serine, an amino acid with similar properties. This amino acid position is conserved. In addition, this alteration is predicted to be tolerated by in silico analysis. Based on the available evidence, the clinical significance of this variant remains unclear.

Baylor Genetics
Classification: Uncertain significance for Rothmund-Thomson syndrome type 2. Last evaluated: 2021-01-12. Review status: criteria provided, single submitter. Criteria: ACMG Guidelines, 2015. Collection method: clinical testing. Allele origin: unknown. Affected: yes. Study: CSER-TexasKidsCanSeq.
Comment: This variant was determined to be of uncertain significance according to ACMG Guidelines, 2015 [PMID:25741868].